The following is an entry in ClinVar:

ClinVar aggregate classification (germline): Uncertain significance (1 of 4 stars; one submission).

Submission:

Labcorp Genetics (formerly Invitae), Labcorp
Classification: Uncertain significance. Last evaluated: 2022-08-22. Review status: criteria provided, single submitter. Criteria: Invitae Variant Classification Sherloc (09022015). Collection method: clinical testing. Allele origin: germline.
Comment: In summary, the available evidence is currently insufficient to determine the role of this variant in disease. Therefore, it has been classified as a Variant of Uncertain Significance. This variant has not been reported in the literature in individuals affected with ASPM-related conditions. This variant is not present in population databases (gnomAD no frequency). This variant, c.853_854insCATTTAATTCTGTAA, results in the insertion of 5 amino acid(s) of the ASPM protein (p.Val284_Asn285insThrPheAsnSerVal), but otherwise preserves the integrity of the reading frame.

NM_018136.5(ASPM):c.853_854insCATTTAATTCTGTAA (p.Val284_Asn285insThrPheAsnSerVal)

Gene: ASPM (assembly factor for spindle microtubules; minus strand). Cytogenetic location: 1q31.3.
Variant type: Insertion.
Coding change: c.853_854insCATTTAATTCTGTAA on transcript NM_018136.5 (MANE Select); coding-DNA positions 853 to 854, CATTTAATTCTGTAA inserted.
Protein change: p.Val284_Asn285insThrPheAsnSerVal.
Molecular consequence: inframe insertion.
Genome position: GRCh38 VCF-style: chr1-197143398-T-TTTACAGAATTAAATG. GRCh37 (hg19) VCF-style: chr1-197112528-T-TTTACAGAATTAAATG.
Other names: c.853_854insCATTTAATTCTGTAA, p.Val284_Asn285insThrPheAsnSerVal (NM_001206846.2).
Identifiers: ClinVar variation 1972614 (VCV001972614.5), dbSNP rs1658664444, ClinGen allele CA1217946578.